The following is an entry in ClinVar:

ClinVar aggregate classification (germline): Likely benign (0 of 4 stars; one submission).

Conditions:
LAMA5-related disorder. Also called: LAMA5-Related Disorders; LAMA5-related condition.

gnomAD v4.1: 8 of 1,610,474 alleles (0.0005%); highest among the groups gnomAD compares: Non-Finnish European, 0.00068%; no homozygotes.

Submission:

PreventionGenetics, part of Exact Sciences
Classification: Likely benign for LAMA5-related condition. Last evaluated: 2023-04-12. Review status: no assertion criteria provided. Collection method: clinical testing. Allele origin: germline.
Comment: This variant is classified as likely benign based on ACMG/AMP sequence variant interpretation guidelines (Richards et al. 2015 PMID: 25741868, with internal and published modifications).

NM_005560.6(LAMA5):c.7110C>A (p.Thr2370=)

Gene: LAMA5 (laminin subunit alpha 5; minus strand). Cytogenetic location: 20q13.33.
Variant type: single nucleotide variant.
Coding change: c.7110C>A on transcript NM_005560.6 (MANE Select); coding-DNA position 7110, C replaced by A.
Protein change: p.Thr2370=; no amino-acid change (threonine 2370 retained).
Molecular consequence: synonymous variant.
Genome position (GRCh38, 1-based): chr20:62,318,583, G>T on the plus strand (C>A on the coding strand, the complement: LAMA5 is on the minus strand). VCF-style: chr20-62318583-G-T. GRCh37 (hg19) VCF-style: chr20-60893639-G-T.
Identifiers: ClinVar variation 3030888 (VCV003030888.2), dbSNP rs6089732, ClinGen allele CA511117608.